The following is an entry in ClinVar:

NM_001005242.3(PKP2):c.2221A>G (p.Thr741Ala)

Gene: PKP2 (plakophilin 2; minus strand). Cytogenetic location: 12p11.21.
Variant type: single nucleotide variant.
Coding change: c.2221A>G on transcript NM_001005242.3 (MANE Select); coding-DNA position 2221, A replaced by G.
Protein change: p.Thr741Ala; replaces threonine 741 with alanine.
Molecular consequence: missense variant. On other transcripts: intron variant (2).
Genome position (GRCh38, 1-based): chr12:32,796,245, T>C on the plus strand (A>G on the coding strand, the complement: PKP2 is on the minus strand). VCF-style: chr12-32796245-T-C. GRCh37 (hg19) VCF-style: chr12-32949179-T-C.
Other names: c.2056A>G, p.Thr686Ala (NM_001407156.1); c.1894A>G, p.Thr632Ala (NM_001407158.1, NM_001407159.1); c.2353A>G, p.Thr785Ala (NM_004572.4); c.2168-3514A>G (NM_001407155.1); c.1841-3514A>G (NM_001407160.1); short protein forms T632A, T785A, T741A, T686A.
Identifiers: ClinVar variation 2894931 (VCV002894931.6), dbSNP rs765782274, ClinGen allele CA034877.

ClinVar aggregate classification (germline): Conflicting classifications of pathogenicity. Review status: criteria provided, conflicting classifications (1 of 4 stars). 4 submissions from 4 submitters: Uncertain significance (3); Likely benign (1). Last evaluated 2025-08-04.

Conditions:
Cardiomyopathy (CMYO). Also called: Cardiomyopathies. Identifiers: Orphanet 167848, MedGen C0878544, MONDO:0004994, HP:0001638. Inheritance: Various modes of inheritance.
Arrhythmogenic right ventricular cardiomyopathy (ARVD). Also called: Arrhythmogenic right ventricular dysplasia; Cardiomyopathy, ARVC; Arrhythmogenic cardiomyopathy; Arrhythmogenic Right Ventricular Cardiomyopathy (ARVC). Identifiers: Orphanet 247, MedGen C0349788, MeSH D019571, MONDO:0016587. Disease mechanism: loss of function. Inheritance: Various modes of inheritance.
Cardiovascular phenotype. Identifiers: MedGen CN230736.
Arrhythmogenic right ventricular dysplasia 9 (ARVD9). Also called: ARRHYTHMOGENIC RIGHT VENTRICULAR DYSPLASIA, FAMILIAL, 9; Arrhythmogenic Right Ventricular Dysplasia/Cardiomyopathy 9. Identifiers: MedGen C1836906, MONDO:0012180, OMIM 609040.

Allele frequency attached by ClinVar (database versions not stated): gnomAD exomes below 0.00001; ExAC 0.00001; gnomAD 0.00001.
gnomAD v4.1: 5 of 1,613,586 alleles (0.00031%); highest among the groups gnomAD compares: South Asian, 0.0044%; no homozygotes.

Submissions (4):

Color Diagnostics, LLC DBA Color Health
Classification: Likely benign for Cardiomyopathy. Last evaluated: 2025-08-04. Review status: criteria provided, single submitter. Criteria: ACMG Guidelines, 2015. Collection method: clinical testing. Allele origin: germline.

Ambry Genetics
Classification: Uncertain significance for Cardiovascular phenotype. Last evaluated: 2025-06-17. Review status: criteria provided, single submitter. Criteria: Ambry Variant Classification Scheme 2023. Collection method: clinical testing. Allele origin: germline.
Comment: The p.T785A variant (also known as c.2353A>G), located in coding exon 12 of the PKP2 gene, results from an A to G substitution at nucleotide position 2353. The threonine at codon 785 is replaced by alanine, an amino acid with similar properties. This amino acid position is conserved. In addition, this alteration is predicted to be tolerated by in silico analysis. Based on the available evidence, the clinical significance of this variant remains unclear.

Labcorp Genetics (formerly Invitae), Labcorp
Classification: Uncertain significance for Arrhythmogenic right ventricular dysplasia 9. Last evaluated: 2024-10-25. Review status: criteria provided, single submitter. Criteria: Invitae Variant Classification Sherloc (09022015). Collection method: clinical testing. Allele origin: germline.
Comment: This sequence change replaces threonine, which is neutral and polar, with alanine, which is neutral and non-polar, at codon 785 of the PKP2 protein (p.Thr785Ala). This variant is present in population databases (rs765782274, gnomAD 0.003%). This variant has not been reported in the literature in individuals affected with PKP2-related conditions. An algorithm developed to predict the effect of missense changes on protein structure and function (PolyPhen-2) suggests that this variant is likely to be tolerated. In summary, the available evidence is currently insufficient to determine the role of this variant in disease. Therefore, it has been classified as a Variant of Uncertain Significance.

All of Us Research Program, National Institutes of Health
Classification: Uncertain significance for Arrhythmogenic right ventricular cardiomyopathy. Last evaluated: 2023-11-20. Review status: criteria provided, single submitter. Criteria: ACMG Guidelines, 2015. Collection method: clinical testing. Allele origin: germline. Inheritance: Autosomal dominant inheritance. Observed: 1 variant allele, 1 heterozygote.
Comment: This missense variant replaces threonine with alanine at codon 785 of the PKP2 protein. Computational prediction suggests that this variant may not impact protein structure and function (internally defined REVEL score threshold <= 0.5, PMID: 27666373). To our knowledge, functional studies have not been reported for this variant. This variant has not been reported in individuals affected with PKP2-related disorders in the literature. This variant has been identified in 1/251398 chromosomes in the general population by the Genome Aggregation Database (gnomAD). The available evidence is insufficient to determine the role of this variant in disease conclusively. Therefore, this variant is classified as a Variant of Uncertain Significance.

This study involves interpretation of variants in research participants for the purpose of population health screening. Participant phenotype was not available at the time of variant classification. Additional details can be found in publication PMID: 35346344, PMCID: PMC8962531